The following is an entry in ClinVar:

ClinVar aggregate classification (germline): Uncertain significance. Review status: criteria provided, multiple submitters, no conflicts (2 of 4 stars). 2 submissions from 2 submitters: Uncertain significance (2). Last evaluated 2026-05-21.

Conditions:
Inborn genetic diseases. Identifiers: MedGen C0950123, MeSH D030342.
Baller-Gerold syndrome (BGS). Also called: CRANIOSYNOSTOSIS WITH RADIAL DEFECTS. Identifiers: Orphanet 1225, MedGen C0265308, MONDO:0009039, OMIM 218600.

Submissions (2):

Ambry Genetics
Classification: Uncertain significance for Inborn genetic diseases. Last evaluated: 2026-05-21. Review status: criteria provided, single submitter. Criteria: Ambry Variant Classification Scheme 2023. Collection method: clinical testing. Allele origin: germline.
Comment: The p.T38P variant (also known as c.112A>C), located in coding exon 2 of the RECQL4 gene, results from an A to C substitution at nucleotide position 112. The threonine at codon 38 is replaced by proline, an amino acid with highly similar properties. This amino acid position is conserved. In addition, the in silico prediction for this alteration is inconclusive. Based on the available evidence, the clinical significance of this variant remains unclear.

Labcorp Genetics (formerly Invitae), Labcorp
Classification: Uncertain significance for Baller-Gerold syndrome. Last evaluated: 2022-01-03. Review status: criteria provided, single submitter. Criteria: Invitae Variant Classification Sherloc (09022015). Collection method: clinical testing. Allele origin: germline.
Comment: This variant is not present in population databases (gnomAD no frequency). This sequence change replaces threonine, which is neutral and polar, with proline, which is neutral and non-polar, at codon 38 of the RECQL4 protein (p.Thr38Pro). This variant has not been reported in the literature in individuals affected with RECQL4-related conditions. Experimental studies and prediction algorithms are not available or were not evaluated, and the functional significance of this variant is currently unknown. In summary, the available evidence is currently insufficient to determine the role of this variant in disease. Therefore, it has been classified as a Variant of Uncertain Significance.

NM_004260.4(RECQL4):c.112A>C (p.Thr38Pro)

Genes: RECQL4 (RecQ like helicase 4; minus strand), LOC130001411 (ATAC-STARR-seq lymphoblastoid silent region 19699; plus strand). Cytogenetic location: 8q24.3.
Variant type: single nucleotide variant.
Coding change: c.112A>C on transcript NM_004260.4 (MANE Select); coding-DNA position 112, A replaced by C.
Protein change: p.Thr38Pro; replaces threonine 38 with proline.
Molecular consequence: missense variant.
Genome position (GRCh38, 1-based): chr8:144,517,608, T>G on the plus strand (A>C on the coding strand, the complement: RECQL4 is on the minus strand). VCF-style: chr8-144517608-T-G. GRCh37 (hg19) VCF-style: chr8-145742992-T-G.
Other names: c.112A>C (NM_004260.3); c.112A>C, p.Thr38Pro (NM_001413017.1, NM_001413018.1, NM_001413019.1 and 5 more transcripts); c.-609A>C (NM_001413021.1); c.-960A>C (NM_001413022.1, NM_001413023.1, NM_001413037.1 and 2 more transcripts); c.-857A>C (NM_001413024.1, NM_001413035.1); c.-1022A>C (NM_001413027.1, NM_001413030.1, NM_001413031.1 and 1 more transcripts); c.-685A>C (NM_001413028.1); c.-919A>C (NM_001413032.1); and 3 more; short protein forms T38P.
Identifiers: ClinVar variation 2071943 (VCV002071943.5), dbSNP rs2538129116, ClinGen allele CA372693379.